The following is an entry in ClinVar:

NM_000051.4(ATM):c.4492T>C (p.Leu1498=)

Gene: ATM (ATM serine/threonine kinase; plus strand). Cytogenetic location: 11q22.3.
Variant type: single nucleotide variant.
Coding change: c.4492T>C on transcript NM_000051.4 (MANE Select); coding-DNA position 4492, T replaced by C.
Protein change: p.Leu1498=; no amino-acid change (leucine 1498 retained).
Molecular consequence: synonymous variant.
Genome position (GRCh38, 1-based): chr11:108,292,674, T>C. VCF-style: chr11-108292674-T-C. GRCh37 (hg19) VCF-style: chr11-108163401-T-C.
Other names: c.4492T>C, p.Leu1498= (NM_001351834.2).
Identifiers: ClinVar variation 184493 (VCV000184493.68), dbSNP rs748949478, ClinGen allele CA189119.

ClinVar aggregate classification (germline): Conflicting classifications of pathogenicity. Review status: criteria provided, conflicting classifications (1 of 4 stars). 12 submissions from 12 submitters: Uncertain significance (1); Benign (2); Likely benign (8). 1 of the submissions does not count toward it. Last evaluated 2025-11-16.

Conditions:
ATM-related disorder. Also called: ATM-related disorders; ATM-related condition.
Breast and/or ovarian cancer. Identifiers: MedGen CN221562.
Hereditary cancer-predisposing syndrome. Also called: Tumor predisposition; Neoplastic Syndromes, Hereditary; Hereditary Cancer Syndrome; Hereditary neoplastic syndrome. Identifiers: Orphanet 140162, MedGen C0027672, MeSH D009386, MONDO:0015356.
Familial cancer of breast. Also called: hereditary breast carcinoma; BREAST CANCER, FAMILIAL; Hereditary breast cancer. Identifiers: Orphanet 227535, MedGen C0346153, MONDO:0016419, OMIM 114480. Disease mechanism: loss of function.
Ataxia-telangiectasia syndrome (AT). Also called: LOUIS-BAR SYNDROME; Ataxia-telangiectasia, complementation group D; Ataxia telangiectasia (A-T); AT, COMPLEMENTATION GROUP C; ATAXIA-TELANGIECTASIA, COMPLEMENTATION GROUP A; ATAXIA-TELANGIECTASIA, FRESNO VARIANT. Identifiers: Orphanet 100, MedGen C0004135, MONDO:0008840, OMIM 208900.

Allele frequency attached by ClinVar (database versions not stated): gnomAD exomes 0.00001 and 0.00002; TOPMed 0.00001; ExAC 0.00002; gnomAD 0.00001.
gnomAD v4.1: 36 of 1,613,914 alleles (0.0022%); highest among the groups gnomAD compares: Non-Finnish European, 0.0027%; no homozygotes.

Submissions (12):

Labcorp Genetics (formerly Invitae), Labcorp
Classification: Likely benign for Ataxia-telangiectasia syndrome. Last evaluated: 2025-11-16. Review status: criteria provided, single submitter. Criteria: Invitae Variant Classification Sherloc (09022015). Collection method: clinical testing. Allele origin: germline.

Myriad Genetics, Inc.
Classification: Benign for Familial cancer of breast. Last evaluated: 2024-05-20. Review status: criteria provided, single submitter. Criteria: Myriad Autosomal Dominant, Autosomal Recessive and X-Linked Classification Criteria (2023). Collection method: clinical testing. Allele origin: unknown.
Comment: This variant is considered benign. This variant is a silent/synonymous amino acid change and it is not expected to impact splicing.

Department of Pathology and Laboratory Medicine, Sinai Health System
Classification: Likely benign for Familial cancer of breast. Last evaluated: 2024-02-28. Review status: criteria provided, single submitter. Criteria: ACMG Guidelines, 2015. Collection method: clinical testing. Allele origin: germline. Affected: yes.

Blueprint Genetics
Classification: Likely benign. Last evaluated: 2024-01-18. Review status: criteria provided, single submitter. Criteria: ACMG Guidelines, 2015. Collection method: clinical testing. Allele origin: germline.

CHEO Genetics Diagnostic Laboratory, Children's Hospital of Eastern Ontario
Classification: Likely benign for Breast and/or ovarian cancer. Last evaluated: 2022-07-20. Review status: criteria provided, single submitter. Criteria: ACMG Guidelines, 2015. Collection method: clinical testing. Allele origin: germline.

Women's Health and Genetics/Laboratory Corporation of America, LabCorp
Classification: Likely benign. Last evaluated: 2022-05-05. Review status: criteria provided, single submitter. Criteria: LabCorp Variant Classification Summary - May 2015. Collection method: clinical testing. Allele origin: germline.

Sema4
Classification: Likely benign for Hereditary cancer-predisposing syndrome. Last evaluated: 2021-04-30. Review status: criteria provided, single submitter. Criteria: Sema4 Curation Guidelines. Collection method: curation. Allele origin: germline.

CeGaT Center for Human Genetics Tuebingen
Classification: Uncertain significance. Last evaluated: 2018-06-01. Review status: criteria provided, single submitter. Criteria: CeGaT Center For Human Genetics Tuebingen Variant Classification Criteria Version 2. Collection method: clinical testing. Allele origin: germline. Affected: yes. Observed: 1 variant allele.

Color Diagnostics, LLC DBA Color Health
Classification: Likely benign for Hereditary cancer-predisposing syndrome. Last evaluated: 2017-02-18. Review status: criteria provided, single submitter. Criteria: ACMG Guidelines, 2015. Collection method: clinical testing. Allele origin: germline.

GeneDx
Classification: Benign. Last evaluated: 2015-09-28. Review status: criteria provided, single submitter. Criteria: GeneDx Variant Classification Process June 2021. Collection method: clinical testing. Allele origin: germline. Affected: yes.

Ambry Genetics
Classification: Likely benign for Hereditary cancer-predisposing syndrome. Last evaluated: 2014-10-08. Review status: criteria provided, single submitter. Criteria: Ambry Variant Classification Scheme 2023. Collection method: clinical testing. Allele origin: germline.

PreventionGenetics, part of Exact Sciences
Classification: Likely benign for ATM-related condition. Last evaluated: 2019-11-01. Review status: no assertion criteria provided. Collection method: clinical testing. Allele origin: germline. Not counted in ClinVar's aggregate classification.
Comment: This variant is classified as likely benign based on ACMG/AMP sequence variant interpretation guidelines (Richards et al. 2015 PMID: 25741868, with internal and published modifications).